The following is an entry in ClinVar:

ClinVar aggregate classification (germline): Conflicting classifications of pathogenicity. Review status: criteria provided, conflicting classifications (1 of 4 stars). 2 submissions from 2 submitters: Uncertain significance (1); Likely benign (1). Last evaluated 2023-03-23.

Conditions:
Breast and/or ovarian cancer. Identifiers: MedGen CN221562.
Hereditary cancer-predisposing syndrome. Also called: Tumor predisposition; Hereditary Cancer Syndrome; Neoplastic Syndromes, Hereditary; Hereditary neoplastic syndrome. Identifiers: Orphanet 140162, MedGen C0027672, MeSH D009386, MONDO:0015356.

Submissions (2):

University of Washington Department of Laboratory Medicine, University of Washington
Classification: Likely benign for Hereditary cancer-predisposing syndrome. Last evaluated: 2023-03-23. Review status: criteria provided, single submitter. Criteria: Dines et al. (Genet Med. 2020). Collection method: curation. Allele origin: germline.
Comment: Missense variant in a coldspot region where missense variants are very unlikely to be pathogenic (PMID:31911673).

BRCA1 coldspot (exon 11 using historical exon numbering). Reclassification based on statistical prior probability

CHEO Genetics Diagnostic Laboratory, Children's Hospital of Eastern Ontario
Classification: Uncertain significance for Breast and/or ovarian cancer. Last evaluated: 2016-10-21. Review status: criteria provided, single submitter. Criteria: ACMG Guidelines, 2015. Collection method: clinical testing. Allele origin: germline. Study: Canadian Open Genetics Repository.

NM_007294.4(BRCA1):c.2870A>C (p.Gln957Pro)

Gene: BRCA1 (BRCA1 DNA repair associated; minus strand). Cytogenetic location: 17q21.31.
Variant type: single nucleotide variant.
Coding change: c.2870A>C on transcript NM_007294.4 (MANE Select); coding-DNA position 2870, A replaced by C.
Protein change: p.Gln957Pro; replaces glutamine 957 with proline.
Molecular consequence: missense variant. On other transcripts: intron variant (137).
Genome position (GRCh38, 1-based): chr17:43,092,661, T>G on the plus strand (A>C on the coding strand, the complement: BRCA1 is on the minus strand). VCF-style: chr17-43092661-T-G. GRCh37 (hg19) VCF-style: chr17-41244678-T-G.
Other names: c.2870A>C, p.Gln957Pro (NM_001407581.1, NM_001407582.1, NM_001407854.1 and 30 more transcripts); c.2726A>C, p.Gln909Pro (NM_001407846.1, NM_001407847.1, NM_001407848.1 and 20 more transcripts); c.2729A>C, p.Gln910Pro (NM_001407852.1, NM_001407850.1, NM_001407851.1 and 29 more transcripts); c.2657A>C, p.Gln886Pro (NM_001407853.1, NM_001407571.1, NM_001407894.1 and 9 more transcripts); c.2867A>C, p.Gln956Pro (NM_001407860.1, NM_001407587.1, NM_001407590.1 and 22 more transcripts); c.2861A>C, p.Gln954Pro (NM_001407646.1, NM_001407647.1); c.2747A>C, p.Gln916Pro (NM_001407648.1, NM_001407664.1, NM_001407665.1 and 19 more transcripts); c.2744A>C, p.Gln915Pro (NM_001407649.1, NM_001407670.1, NM_001407671.1 and 11 more transcripts); and 41 more; short protein forms Q957P, Q910P, Q846P, Q890P, Q909P, Q956P, Q789P, Q829P.
Identifiers: ClinVar variation 626902 (VCV000626902.4), dbSNP rs1567793946, ClinGen allele CA10596248.